The following is an entry in ClinVar:

NM_004525.3(LRP2):c.62_63delinsAC (p.Ala21Asp)

Gene: LRP2 (LDL receptor related protein 2; minus strand). Cytogenetic location: 2q31.1.
Variant type: Indel.
Coding change: c.62_63delinsAC on transcript NM_004525.3 (MANE Select); coding-DNA positions 62 to 63, CG replaced by AC.
Protein change: p.Ala21Asp; replaces alanine 21 with aspartic acid.
Molecular consequence: missense variant.
Genome position (GRCh38, 1-based): chr2:169,362,337-169,362,338, CG replaced by GT on the plus strand (CG replaced by AC on the coding strand, the reverse complement: LRP2 is on the minus strand). VCF-style: chr2-169362337-CG-GT. GRCh37 (hg19) VCF-style: chr2-170218847-CG-GT.
Other names: short protein forms A21D.
Identifiers: ClinVar variation 1433336 (VCV001433336.4), dbSNP rs2105595067, ClinGen allele CA2573133668.

ClinVar aggregate classification (germline): Uncertain significance. Review status: criteria provided, multiple submitters, no conflicts (2 of 4 stars). 2 submissions from 2 submitters: Uncertain significance (2). Last evaluated 2024-05-25.

Conditions:
Donnai-Barrow syndrome. Also called: DBS/FOAR SYNDROME; FACIOOCULOACOUSTICORENAL SYNDROME. Identifiers: Orphanet 2143, MedGen C1857277, MONDO:0009104, OMIM 222448.

Submissions (2):

Fulgent Genetics
Classification: Uncertain significance for Donnai-Barrow syndrome. Last evaluated: 2024-05-25. Review status: criteria provided, single submitter. Criteria: ACMG Guidelines, 2015. Collection method: clinical testing. Allele origin: germline.

Labcorp Genetics (formerly Invitae), Labcorp
Classification: Uncertain significance. Last evaluated: 2022-09-01. Review status: criteria provided, single submitter. Criteria: Invitae Variant Classification Sherloc (09022015). Collection method: clinical testing. Allele origin: germline.
Comment: This sequence change replaces alanine, which is neutral and non-polar, with aspartic acid, which is acidic and polar, at codon 21 of the LRP2 protein (p.Ala21Asp). This variant is present in population databases (no rsID available, gnomAD 1.0%). This variant has not been reported in the literature in individuals affected with LRP2-related conditions. ClinVar contains an entry for this variant (Variation ID: 1433336). Algorithms developed to predict the effect of missense changes on protein structure and function are either unavailable or do not agree on the potential impact of this missense change (SIFT: "Not Available"; PolyPhen-2: "Possibly Damaging"; Align-GVGD: "Not Available"). Algorithms developed to predict the effect of sequence changes on RNA splicing suggest that this variant may create or strengthen a splice site. In summary, the available evidence is currently insufficient to determine the role of this variant in disease. Therefore, it has been classified as a Variant of Uncertain Significance.